The following is an entry in ClinVar:

NM_000552.5(VWF):c.4790G>A (p.Arg1597Gln)

Gene: VWF (von Willebrand factor; minus strand). Cytogenetic location: 12p13.31.
Variant type: single nucleotide variant.
Coding change: c.4790G>A on transcript NM_000552.5 (MANE Select); coding-DNA position 4790, G replaced by A.
Protein change: p.Arg1597Gln; replaces arginine 1597 with glutamine.
Molecular consequence: missense variant.
Genome position (GRCh38, 1-based): chr12:6,018,628, C>T on the plus strand (G>A on the coding strand, the complement: VWF is on the minus strand). VCF-style: chr12-6018628-C-T. GRCh37 (hg19) VCF-style: chr12-6127794-C-T.
Other names: short protein forms R1597Q.
Identifiers: ClinVar variation 100391 (VCV000100391.5), dbSNP rs61750577, ClinGen allele CA228657.

ClinVar aggregate classification (germline): Pathogenic. Review status: criteria provided, multiple submitters, no conflicts (2 of 4 stars). 4 submissions from 4 submitters: Pathogenic (2). 2 of the submissions do not count toward it. Last evaluated 2021-01-21.

Conditions:
von Willebrand disease type 2 (VWD2). Also called: VON WILLEBRAND DISEASE, TYPE 2A/IIE; VON WILLEBRAND DISEASE, TYPE 2CB; VWD, TYPE 2; VON WILLEBRAND DISEASE, TYPE II. Identifiers: Orphanet 166081, Orphanet 903, MedGen C1264040, MONDO:0013304, OMIM 613554.
Hereditary von Willebrand disease. Identifiers: Orphanet 903, MedGen C5703318, MONDO:0019565. Inheritance: Autosomal recessive or Autosomal dominant.

Submissions (4):

Quest Diagnostics Nichols Institute San Juan Capistrano
Classification: Pathogenic. Last evaluated: 2021-01-21. Review status: criteria provided, single submitter. Criteria: Quest Diagnostics criteria. Collection method: clinical testing. Allele origin: unknown.
Comment: In the published literature, this variant has been reported in individuals affected with von Willebrand disease (VWD) type 2A (PMIDs: 8456431 (1993), 8865541 (1996), 19404524 (2009), 29924503 (2018), and 30817071 (2019)). In addition, functional studies have demonstrated that this variant is damaging to VWF protein function (PMIDs: 9058716 (1997) and 15249683 (2004)). Therefore, the variant is classified as pathogenic.

NIHR Bioresource Rare Diseases, University of Cambridge
Classification: Pathogenic for von Willebrand disorder. Last evaluated: 2019-02-01. Review status: criteria provided, single submitter. Criteria: ACMG Guidelines, 2015. Collection method: research. Allele origin: unknown. Affected: yes. Observed: 1 heterozygote. Study: ThromboGenomics.

Angelo Bianchi Bonomi Hemophilia and Thrombosis Center, Fondazione IRCCS Ca Granda Ospedale Maggiore Policlinico
Classification: Pathogenic for von Willebrand disease type 2. Last evaluated: 2022-04-26. Review status: no assertion criteria provided. Collection method: clinical testing. Allele origin: germline. Affected: yes. Not counted in ClinVar's aggregate classification.

Academic Unit of Haematology, University of Sheffield
No classification provided. Review status: no classification provided. Collection method: not provided. Allele origin: not provided. Not counted in ClinVar's aggregate classification.

Literature cited by the submitters: PubMed 31064749 (cited by Quest Diagnostics Nichols Institute San Juan Capistrano and NIHR Bioresource Rare Diseases, University of Cambridge); PubMed 8456431 (cited by Quest Diagnostics Nichols Institute San Juan Capistrano); PubMed 15249683 (cited by Quest Diagnostics Nichols Institute San Juan Capistrano); PubMed 8865541 (cited by Quest Diagnostics Nichols Institute San Juan Capistrano); PubMed 30817071 (cited by Quest Diagnostics Nichols Institute San Juan Capistrano); PubMed 19404524 (cited by Quest Diagnostics Nichols Institute San Juan Capistrano); PubMed 9058716 (cited by Quest Diagnostics Nichols Institute San Juan Capistrano); PubMed 29924503 (cited by Quest Diagnostics Nichols Institute San Juan Capistrano).